The following is an entry in ClinVar:

ClinVar aggregate classification (germline): Uncertain significance (1 of 4 stars; one submission).

Conditions:
Surfactant metabolism dysfunction, pulmonary, 4 (SMDP4). Also called: PAP DUE TO CSF2RA DEFICIENCY; PULMONARY ALVEOLAR PROTEINOSIS, CONGENITAL, 4; CSF2RA DEFICIENCY. Identifiers: Orphanet 264675, MedGen C2677877, MONDO:0010424, OMIM 300770.

Submissions (5):

Labcorp Genetics (formerly Invitae), Labcorp
Classification: Uncertain significance for Surfactant metabolism dysfunction, pulmonary, 4. Last evaluated: 2022-04-07. Review status: criteria provided, single submitter. Criteria: Invitae Variant Classification Sherloc (09022015). Collection method: clinical testing. Allele origin: germline.
Comment: This sequence change replaces asparagine, which is neutral and polar, with serine, which is neutral and polar, at codon 261 of the CSF2RA protein (p.Asn261Ser). In summary, the available evidence is currently insufficient to determine the role of this variant in disease. Therefore, it has been classified as a Variant of Uncertain Significance. Algorithms developed to predict the effect of missense changes on protein structure and function output the following: SIFT: "Tolerated"; PolyPhen-2: "Benign"; Align-GVGD: "Class C0". The serine amino acid residue is found in multiple mammalian species, which suggests that this missense change does not adversely affect protein function. This variant has not been reported in the literature in individuals affected with CSF2RA-related conditions. This variant is not present in population databases (gnomAD no frequency).

Dr. Peter K. Rogan Lab, Western University
No classification provided (evidence only). Condition: Thyroid cancer, nonmedullary, 1. Review status: no classification provided. Collection method: in vitro. Allele origin: not applicable. Functional consequence: retained intron. Not counted in ClinVar's aggregate classification.

Dr. Peter K. Rogan Lab, Western University
No classification provided (evidence only). Condition: Nonpapillary renal cell carcinoma. Review status: no classification provided. Collection method: in vitro. Allele origin: not applicable. Functional consequence: retained intron. Not counted in ClinVar's aggregate classification.

Dr. Peter K. Rogan Lab, Western University
No classification provided (evidence only). Condition: Nonpapillary renal cell carcinoma. Review status: no classification provided. Collection method: in vitro. Allele origin: not applicable. Functional consequence: retained intron. Not counted in ClinVar's aggregate classification.

Dr. Peter K. Rogan Lab, Western University
No classification provided (evidence only). Condition: Nonpapillary renal cell carcinoma. Review status: no classification provided. Collection method: in vitro. Allele origin: not applicable. Functional consequence: retained intron. Not counted in ClinVar's aggregate classification.

NM_172245.4(CSF2RA):c.782A>G (p.Asn261Ser)

Gene: CSF2RA (colony stimulating factor 2 receptor subunit alpha; plus strand). Cytogenetic location: Xp22.33.
Variant type: single nucleotide variant.
Coding change: c.782A>G on transcript NM_172245.4 (MANE Select); coding-DNA position 782, A replaced by G.
Protein change: p.Asn261Ser; replaces asparagine 261 with serine.
Molecular consequence: missense variant. On other transcripts: non-coding transcript variant (1), intron variant (2).
Genome position (GRCh38, 1-based): chrX:1,295,428, A>G. VCF-style: chrX-1295428-A-G. GRCh37 (hg19) VCF-style: chrX-1414321-A-G.
Other names: c.782A>G, p.Asn261Ser (NM_001161529.2, NM_001161530.2, NM_001161531.2 and 18 more transcripts); c.383A>G, p.Asn128Ser (NM_001161532.2); c.763A>G, p.Ile255Val (NM_001379166.1); c.646+4919A>G (NM_172249.4); c.780+967A>G (NM_001379160.1); short protein forms N261S, N128S, I255V.
Identifiers: ClinVar variation 2099462 (VCV002099462.5), dbSNP rs2522471599, ClinGen allele CA412236163.